The following is an entry in ClinVar:

ClinVar aggregate classification (germline): Pathogenic. Review status: criteria provided, multiple submitters, no conflicts (2 of 4 stars). 23 submissions from 23 submitters: Pathogenic (18). 5 of the submissions do not count toward it. Last evaluated 2026-07-09.

Conditions:
HEMOPHAGOCYTIC LYMPHOHISTIOCYTOSIS, FAMILIAL, 5, WITHOUT MICROVILLUS INCLUSION DISEASE.
STXBP2-related disorder. Also called: STXBP2-related condition.
Familial hemophagocytic lymphohistiocytosis (FHL). Also called: Hereditary hemophagocytic lymphohistiocytosis; Familial erythrophagocytic lymphohistiocytosis; Familial histiocytic reticulosis. Identifiers: Orphanet 158038, Orphanet 540, MedGen C0272199, MONDO:0015541.
Autoinflammatory syndrome. Identifiers: Orphanet 93665, MedGen C3890737, MONDO:0019751.
Familial hemophagocytic lymphohistiocytosis 5. Also called: STXBP2-Related Familial Hemophagocytic Lymphohistiocytosis (STXBP2-fHLH). Identifiers: Orphanet 540, MedGen C2751293, MONDO:0013135, OMIM 613101.

Allele frequency attached by ClinVar (database versions not stated): ESP Exome Variant Server 0.00015; TOPMed 0.00018; gnomAD exomes 0.00020 and 0.00031; gnomAD 0.00021 and 0.00024; ExAC 0.00033.
gnomAD v4.1: 455 of 1,559,180 alleles (0.029%); highest among the groups gnomAD compares: Non-Finnish European, 0.037%; no homozygotes.

Submissions 1 to 14 of 27:

PreventionGenetics, part of Exact Sciences
Classification: Pathogenic for STXBP2-related condition. Last evaluated: 2026-07-09. Review status: criteria provided, single submitter. Criteria: ACMG Guidelines, 2015. Collection method: clinical testing. Allele origin: germline.
Comment: The STXBP2 c.1247-1G>C variant is predicted to disrupt the AG splice acceptor site and interfere with normal splicing. This variant has been well documented to be causative for haemophagocytic lymphohistiocytosis (zur Stadt et al. 2009. PubMed ID: 19804848; Côte et al. 2009. PubMed ID: 19884660; Rohr et al. 2010. PubMed ID: 20823128). This variant is reported in 0.037% of alleles in individuals of European (Non-Finnish) descent in gnomAD. Variants that disrupt the consensus splice acceptor site in STXBP2 are expected to be pathogenic. This variant is interpreted as pathogenic.

Labcorp Genetics (formerly Invitae), Labcorp
Classification: Pathogenic for Familial hemophagocytic lymphohistiocytosis 5. Last evaluated: 2026-02-01. Review status: criteria provided, single submitter. Criteria: Invitae Variant Classification Sherloc (09022015). Collection method: clinical testing. Allele origin: germline.
Comment: This sequence change affects an acceptor splice site in intron 14 of the STXBP2 gene. RNA analysis indicates that disruption of this splice site induces altered splicing and likely results in the loss of part of exon 15 amino acid residue(s), but is expected to preserve the integrity of the reading-frame. This variant is present in population databases (rs140148806, gnomAD 0.04%). Disruption of this splice site has been observed in individuals with hemophagocytic lymphohistiocytosis (PMID: 19804848, 19884660, 20558610, 20823128, 22451424, 23687090, 27577878). ClinVar contains an entry for this variant (Variation ID: 330555). Studies have shown that disruption of this splice site results in the activation of a cryptic splice site in intron 15 (PMID: 19884660). For these reasons, this variant has been classified as Pathogenic.

Dasa
Classification: Pathogenic. Last evaluated: 2025-08-12. Review status: criteria provided, single submitter. Criteria: DASA Assertion Criteria. Collection method: clinical testing. Allele origin: germline.
Comment: NM_006949.4(STXBP2):c.1247-1G>C introduces a premature termination codon predicted to result in loss of normal protein function. Loss-of-function is an established mechanism of disease for this gene. This variant has been observed in affected individuals with related phenotype in a genotype context consistent with recessive disease (PMID: 19804848; PMID: 19884660; PMID: 20558610; PMID: 20823128; PMID: 22451424). This variant has been recurrently observed in individuals with related phenotype (PMID: 19804848; PMID: 19884660; PMID: 20558610; PMID: 20823128; PMID: 22451424). The variant is present at low frequency in population datasets. Based on the available data, this variant is classified as pathogenic.

Blueprint Genetics
Classification: Pathogenic for STXBP2-related disorders. Last evaluated: 2024-11-27. Review status: criteria provided, single submitter. Criteria: ACMG Guidelines, 2015. Collection method: clinical testing. Allele origin: germline. Affected: yes. Observed: 5 variant alleles.

Greenwood Genetic Center Diagnostic Laboratories, Greenwood Genetic Center
Classification: Pathogenic for Familial hemophagocytic lymphohistiocytosis 5. Last evaluated: 2024-03-11. Review status: criteria provided, single submitter. Criteria: ACMG Guidelines, 2015. Collection method: clinical testing. Allele origin: germline. Affected: yes.
Comment: PVS1, PM3_Strong

Fulgent Genetics
Classification: Pathogenic for Familial hemophagocytic lymphohistiocytosis 5. Last evaluated: 2024-03-06. Review status: criteria provided, single submitter. Criteria: ACMG Guidelines, 2015. Collection method: clinical testing. Allele origin: germline.

CeGaT Center for Human Genetics Tuebingen
Classification: Pathogenic. Last evaluated: 2024-02-01. Review status: criteria provided, single submitter. Criteria: CeGaT Center For Human Genetics Tuebingen Variant Classification Criteria Version 2. Collection method: clinical testing. Allele origin: germline. Affected: yes. Observed: 2 variant alleles.
Comment: STXBP2: PM3:Very Strong, PVS1, PM2, PP4:Moderate, PS3:Moderate

GeneDx
Classification: Pathogenic. Last evaluated: 2023-06-27. Review status: criteria provided, single submitter. Criteria: GeneDx Variant Classification Process June 2021. Collection method: clinical testing. Allele origin: germline. Affected: yes.
Comment: Canonical splice site variant in a gene for which loss-of-function is a known mechanism of disease; This variant is associated with the following publications: (PMID: 28936583, 16199547, 29777376, 28983403, 23687090, 20823128, 19884660, 25491289, 25525159, 19804848, 26320718, 27577878, 29077208, 30697212, 22451424, 20558610, 31865540, 31980526, 34426522, 34249802, 31589614, 33225392, 32542393, 33083013, 33746956)

Neuberg Centre For Genomic Medicine, NCGM
Classification: Pathogenic for Familial hemophagocytic lymphohistiocytosis 5. Last evaluated: 2023-02-14. Review status: criteria provided, single submitter. Criteria: ACMG Guidelines, 2015. Collection method: clinical testing. Allele origin: germline. Inheritance: Autosomal recessive inheritance. Affected: yes.
Comment: The splice acceptor variant c.406-1G>A in the STXBP2 gene has been reported in homozygous and heterozygous state in individuals affected with familial hemophagocytic lymphohistiocytosis type 5 (Pagel et al., 2012; Gadoury-Levesque et al., 2020). The variant has 0.01% allele frequency in gnomAD Exomes and is novel (not in any individuals) in 1000 Genomes. This variant has been reported to the ClinVar database as Pathogenic (Multiple submissions). This sequence change affects an acceptor splice site in intron 14 of the STXBP2 gene. This variant is predicted to cause a loss of normal protein function through protein truncation. Loss of function variants has been previously reported to be disease causing. For these reasons, this variant has been classified as Pathogenic.

Revvity Omics, Revvity
Classification: Pathogenic for Familial hemophagocytic lymphohistiocytosis 5. Last evaluated: 2022-10-25. Review status: criteria provided, single submitter. Criteria: ACMG Guidelines, 2015. Collection method: clinical testing. Allele origin: germline.

Women's Health and Genetics/Laboratory Corporation of America, LabCorp
Classification: Pathogenic for Familial hemophagocytic lymphohistiocytosis. Last evaluated: 2022-07-01. Review status: criteria provided, single submitter. Criteria: LabCorp Variant Classification Summary - May 2015. Collection method: clinical testing. Allele origin: germline.
Comment: Variant summary: STXBP2 c.1247-1G>C is located in a canonical splice-site in intron 14 and is predicted to affect mRNA splicing resulting in a significantly altered protein due to either exon skipping, shortening, or inclusion of intronic material. Several computational tools predict a significant impact on normal splicing: Four predict the variant abolishes a 3' acceptor site. Experimental evidence has shown that the variant results in the partial deletion of exon 15 and the insertion of 56bp from the intronic sequence, leading to a frameshift after codon 416 and a protein of almost the same size as wild-type STXBP2 (p.Val417LeufsX126)(e.g. zur Stadt_2009, Cote_2009). The variant allele was found at a frequency of 0.0002 in 168500 control chromosomes (gnomAD). This frequency is not significantly higher than expected for a pathogenic variant in STXBP2 causing Familial Hemophagocytic Lymphohistiocytosis (0.0002 vs 0.0022). c.1247-1G>C has been reported in the literature in many homozygous and compound heterozygous individuals affected with Familial Hemophagocytic Lymphohistiocytosis, predominately of European ancestry (e.g. zur Stadt_2009, Cote_2009, Rohr_2010, Pagel_2012, Gadoury-Levesque_2020). These data indicate that the variant is very likely to be associated with disease. Seven assessments for this variant have been submitted to ClinVar after 2014 and all classified the variant as pathogenic. Based on the evidence outlined above, the variant was classified as pathogenic.

Institute of Medical Genetics and Applied Genomics, University Hospital Tübingen
Classification: Pathogenic. Last evaluated: 2020-10-23. Review status: criteria provided, single submitter. Criteria: ACMG Guidelines, 2015. Collection method: clinical testing. Allele origin: germline. Inheritance: Unknown mechanism. Affected: yes.

Genome Diagnostics Laboratory, The Hospital for Sick Children
Classification: Pathogenic for Autoinflammatory syndrome. Last evaluated: 2020-07-10. Review status: criteria provided, single submitter. Criteria: ACMG Guidelines, 2015. Collection method: clinical testing. Allele origin: germline. Affected: yes.

Mendelics
Classification: Pathogenic for Familial hemophagocytic lymphohistiocytosis 5. Last evaluated: 2019-05-28. Review status: criteria provided, single submitter. Criteria: Mendelics Assertion Criteria 2017. Collection method: clinical testing. Allele origin: unknown.

NM_006949.4(STXBP2):c.1247-1G>C

Gene: STXBP2 (syntaxin binding protein 2; plus strand). Cytogenetic location: 19p13.2.
Variant type: single nucleotide variant.
Coding change: c.1247-1G>C on transcript NM_006949.4 (MANE Select); the canonical splice acceptor site of the intron before coding-DNA position 1247, G replaced by C.
Molecular consequence: splice acceptor variant.
Genome position (GRCh38, 1-based): chr19:7,645,196, G>C. VCF-style: chr19-7645196-G-C. GRCh37 (hg19) VCF-style: chr19-7710082-G-C.
Other names: IVS14AS, G-C, -1; c.1247-1G>C (NM_006949.2); c.1151-1G>C (NM_001414484.1); c.1280-1G>C (NM_001272034.2); c.1238-1G>C (NM_001127396.3).
Identifiers: ClinVar variation 330555 (VCV000330555.81), dbSNP rs140148806, ClinGen allele CA9144081.
Genomic context (GRCh38, chr19:7,645,196, plus strand): 5'-TCCCCTAAACCTGGGAGCTCACCTGGCCGCCGCCTCCACCCTGCCCATTCCCGTCCCCCA[G>C]GTGTGAGTGAGGAGAACCTGGCCAAGCTGATCCAGCATGCCAATGTACAGGCGCACAGCA-3'